The following is an entry in ClinVar:

NM_005340.7(HINT1):c.245A>T (p.Lys82Met)

Gene: HINT1 (histidine triad nucleotide binding protein 1; minus strand). Cytogenetic location: 5q23.3.
Variant type: single nucleotide variant.
Coding change: c.245A>T on transcript NM_005340.7 (MANE Select); coding-DNA position 245, A replaced by T.
Protein change: p.Lys82Met; replaces lysine 82 with methionine.
Molecular consequence: missense variant. On other transcripts: non-coding transcript variant (5).
Genome position (GRCh38, 1-based): chr5:131,159,583, T>A on the plus strand (A>T on the coding strand, the complement: HINT1 is on the minus strand). VCF-style: chr5-131159583-T-A. GRCh37 (hg19) VCF-style: chr5-130495276-T-A.
Other names: short protein forms K82M.
Identifiers: ClinVar variation 946058 (VCV000946058.8), dbSNP rs1755197320, ClinGen allele CA360838298.

ClinVar aggregate classification (germline): Uncertain significance (1 of 4 stars; one submission).

Conditions:
Autosomal recessive axonal neuropathy with neuromyotonia (NMAN). Also called: MYOKYMIA, MYOTONIA, AND MUSCLE WASTING; Gamstorp-Wohlfart syndrome; Neuromyotonia and axonal neuropathy, autosomal recessive. Identifiers: Orphanet 324442, MedGen C5700127, MONDO:0007646, OMIM 137200.

Allele frequency attached by ClinVar (database versions not stated): TOPMed below 0.00001; gnomAD exomes 0.00001.

Submission:

Labcorp Genetics (formerly Invitae), Labcorp
Classification: Uncertain significance for Autosomal recessive axonal neuropathy with neuromyotonia. Last evaluated: 2019-05-08. Review status: criteria provided, single submitter. Criteria: Invitae Variant Classification Sherloc (09022015). Collection method: clinical testing. Allele origin: germline.
Comment: In summary, the available evidence is currently insufficient to determine the role of this variant in disease. Therefore, it has been classified as a Variant of Uncertain Significance. Algorithms developed to predict the effect of missense changes on protein structure and function are either unavailable or do not agree on the potential impact of this missense change (SIFT: "Deleterious"; PolyPhen-2: "Probably Damaging"; Align-GVGD: "Class C0"). This variant has not been reported in the literature in individuals with HINT1-related conditions. This variant is not present in population databases (ExAC no frequency). This sequence change replaces lysine with methionine at codon 82 of the HINT1 protein (p.Lys82Met). The lysine residue is moderately conserved and there is a moderate physicochemical difference between lysine and methionine.